The following is an entry in ClinVar:

NM_000136.3(FANCC):c.1494T>G (p.Ala498=)

Genes: FANCC (FA complementation group C; minus strand), AOPEP (aminopeptidase O (putative); plus strand). Cytogenetic location: 9q22.32.
Variant type: single nucleotide variant.
Coding change: c.1494T>G on transcript NM_000136.3 (MANE Select); coding-DNA position 1494, T replaced by G.
Protein change: p.Ala498=; no amino-acid change (alanine 498 retained).
Molecular consequence: synonymous variant.
Genome position (GRCh38, 1-based): chr9:95,107,105, A>C on the plus strand (T>G on the coding strand, the complement: FANCC is on the minus strand). VCF-style: chr9-95107105-A-C. GRCh37 (hg19) VCF-style: chr9-97869387-A-C.
Other names: c.1494T>G, p.Ala498= (NM_001243743.2).
Identifiers: ClinVar variation 929817 (VCV000929817.1), dbSNP rs76895298, ClinGen allele CA466092267.

ClinVar aggregate classification (germline): Pathogenic (0 of 4 stars; one submission).

Conditions:
Fanconi anemia complementation group C (FANCC). Also called: Fanconi anemia, group C; FANCC-Related Fanconi Anemia; FANCONI PANCYTOPENIA, TYPE 3; FACC. Identifiers: Orphanet 84, MedGen C3468041, MONDO:0009213, OMIM 227645.

Submission:

Leiden Open Variation Database
Classification: Pathogenic for Fanconi anemia complementation group C. Last evaluated: 2020-02-28. Review status: no assertion criteria provided. Collection method: curation. Allele origin: germline. Affected: yes.
Comment: Curator: Arleen D. Auerbach. Submitter to LOVD: Arleen D. Auerbach.

Literature cited by the submitters: PubMed 08844212.